The following is an entry in ClinVar:

ClinVar aggregate classification (germline): Likely pathogenic (1 of 4 stars; one submission).

Submission:

GeneDx
Classification: Likely pathogenic. Last evaluated: 2026-03-26. Review status: criteria provided, single submitter. Criteria: GeneDx Variant Classification Process June 2021. Collection method: clinical testing. Allele origin: germline.
Comment: Not observed at significant frequency in large population cohorts (gnomAD); In silico analysis supports that this missense variant has a deleterious effect on protein structure/function; Has not been previously published as pathogenic or benign to our knowledge

NM_005219.5(DIAPH1):c.674T>C (p.Met225Thr)

Gene: DIAPH1 (diaphanous related formin 1; minus strand). Cytogenetic location: 5q31.3.
Variant type: single nucleotide variant.
Coding change: c.674T>C on transcript NM_005219.5 (MANE Select); coding-DNA position 674, T replaced by C.
Protein change: p.Met225Thr; replaces methionine 225 with threonine.
Molecular consequence: missense variant.
Genome position (GRCh38, 1-based): chr5:141,582,322, A>G on the plus strand (T>C on the coding strand, the complement: DIAPH1 is on the minus strand). VCF-style: chr5-141582322-A-G. GRCh37 (hg19) VCF-style: chr5-140961889-A-G.
Other names: c.647T>C, p.Met216Thr (NM_001079812.3); c.674T>C, p.Met225Thr (NM_001314007.2); short protein forms M216T, M225T.
Identifiers: ClinVar variation 5016719 (VCV005016719.1).
Genomic context (GRCh38, chr5:141,582,322, plus strand): 5'-AAGAACAGGCGTCCAGATGGGGTTTGGAATGAGAATGGGAAAAATCTCACCTTGTTGTTC[A>G]TAAAAGCTTTCAAGCAGCGAATGATCTCATGCTTGTTCCGGCTATCGTAACTCCTGTATA-3'
Protein context (NP_005210.3, residues 215-235): HEIIRCLKAF[Met225Thr]NNKFGIKTML